The following is an entry in ClinVar:

ClinVar aggregate classification (germline): Likely benign (1 of 4 stars; one submission).

Allele frequency attached by ClinVar (database versions not stated): 1000 Genomes Project 30x 0.00359; TOPMed 0.00370; 1000 Genomes Project 0.00439; gnomAD 0.00328 and 0.00352.
gnomAD v4.1: 496 of 152,268 alleles (0.33%); highest among the groups gnomAD compares: African/African-American, 1.1%; 3 homozygotes.

Submission:

GeneDx
Classification: Likely benign. Last evaluated: 2018-06-14. Review status: criteria provided, single submitter. Criteria: GeneDx Variant Classification (06012015). Collection method: clinical testing. Allele origin: germline. Affected: yes.
Comment: This variant is considered likely benign or benign based on one or more of the following criteria: it is a conservative change, it occurs at a poorly conserved position in the protein, it is predicted to be benign by multiple in silico algorithms, and/or has population frequency not consistent with disease.

NM_025150.5(TARS2):c.513-282A>G

Gene: TARS2 (threonyl-tRNA synthetase 2, mitochondrial; plus strand). Cytogenetic location: 1q21.2.
Variant type: single nucleotide variant.
Coding change: c.513-282A>G on transcript NM_025150.5 (MANE Select); 282 bases into the intron before coding-DNA position 513, A replaced by G.
Molecular consequence: intron variant.
Genome position (GRCh38, 1-based): chr1:150,491,112, A>G. VCF-style: chr1-150491112-A-G. GRCh37 (hg19) VCF-style: chr1-150463588-A-G.
Other names: c.513-282A>G (NM_001271895.2, NM_001271896.2).
Identifiers: ClinVar variation 668595 (VCV000668595.1), dbSNP rs77531603, ClinGen allele CA30060900.
Genomic context (GRCh38, chr1:150,491,112, plus strand): 5'-CTCAAAAAAAAAACAAAAAGAAAAAGAAGAAACAACTTACTTTGTTACTTGTTAGCTTTC[A>G]TAAATTCAAGTTTTACTTAATCGCCCTCATTACTATTGTTCTAACTTTGTCTATCCAGAT-3'